The following is an entry in ClinVar:

NM_020800.3(IFT80):c.658C>T (p.Arg220Cys)

Genes: IFT80 (intraflagellar transport 80; minus strand), TRIM59-IFT80 (TRIM59-IFT80 readthrough (NMD candidate); minus strand). Cytogenetic location: 3q25.33.
Variant type: single nucleotide variant.
Coding change: c.658C>T on transcript NM_020800.3 (MANE Select); coding-DNA position 658, C replaced by T.
Protein change: p.Arg220Cys; replaces arginine 220 with cysteine.
Molecular consequence: missense variant. On other transcripts: non-coding transcript variant (3).
Genome position (GRCh38, 1-based): chr3:160,356,132, G>A on the plus strand (C>T on the coding strand, the complement: IFT80 is on the minus strand). VCF-style: chr3-160356132-G-A. GRCh37 (hg19) VCF-style: chr3-160073920-G-A.
Other names: c.247C>T, p.Arg83Cys (NM_001190241.2, NM_001190242.2); short protein forms R220C, R83C.
Identifiers: ClinVar variation 962387 (VCV000962387.9), dbSNP rs373133351, ClinGen allele CA2685403.

ClinVar aggregate classification (germline): Uncertain significance. Review status: criteria provided, multiple submitters, no conflicts (2 of 4 stars). 3 submissions from 3 submitters: Uncertain significance (3). Last evaluated 2024-08-26.

Conditions:
Jeune thoracic dystrophy. Also called: Jeune syndrome; Infantile thoracic dystrophy; Thoracic pelvic phalangeal dystrophy; Jeune's syndrome; Chondroectodermal dysplasia-like syndrome; Short-rib thoracic dysplasia. Identifiers: Orphanet 474, MedGen C0265275, MONDO:0018770.
Inborn genetic diseases. Identifiers: MedGen C0950123, MeSH D030342.
Asphyxiating thoracic dystrophy 2 (SRTD2). Also called: SHORT-RIB THORACIC DYSPLASIA 2 WITH OR WITHOUT POLYDACTYLY; SHORT-RIB THORACIC DYSPLASIA 2 WITH POLYDACTYLY; SHORT-RIB THORACIC DYSPLASIA 2 WITHOUT POLYDACTYLY. Identifiers: Orphanet 474, MedGen C1970005, MONDO:0012644, OMIM 611263.

Allele frequency attached by ClinVar (database versions not stated): gnomAD 0.00001; gnomAD exomes 0.00001 and 0.00002; ExAC 0.00002; TOPMed 0.00002; ESP Exome Variant Server 0.00008.
gnomAD v4.1: 16 of 1,613,798 alleles (0.00099%); highest among the groups gnomAD compares: South Asian, 0.0066%; no homozygotes.

Submissions (3):

Ambry Genetics
Classification: Uncertain significance for Inborn genetic diseases. Last evaluated: 2024-08-26. Review status: criteria provided, single submitter. Criteria: Ambry Variant Classification Scheme 2023. Collection method: clinical testing. Allele origin: germline.

Fulgent Genetics
Classification: Uncertain significance for Asphyxiating thoracic dystrophy 2. Last evaluated: 2024-03-04. Review status: criteria provided, single submitter. Criteria: ACMG Guidelines, 2015. Collection method: clinical testing. Allele origin: germline.

Labcorp Genetics (formerly Invitae), Labcorp
Classification: Uncertain significance for Jeune thoracic dystrophy. Last evaluated: 2022-07-11. Review status: criteria provided, single submitter. Criteria: Invitae Variant Classification Sherloc (09022015). Collection method: clinical testing. Allele origin: germline.
Comment: This sequence change replaces arginine, which is basic and polar, with cysteine, which is neutral and slightly polar, at codon 220 of the IFT80 protein (p.Arg220Cys). This variant is present in population databases (rs373133351, gnomAD 0.007%). This variant has not been reported in the literature in individuals affected with IFT80-related conditions. ClinVar contains an entry for this variant (Variation ID: 962387). Algorithms developed to predict the effect of missense changes on protein structure and function are either unavailable or do not agree on the potential impact of this missense change (SIFT: "Deleterious"; PolyPhen-2: "Probably Damaging"; Align-GVGD: "Class C15"). In summary, the available evidence is currently insufficient to determine the role of this variant in disease. Therefore, it has been classified as a Variant of Uncertain Significance.